The following is an entry in ClinVar:

NM_201384.3(PLEC):c.6435G>T (p.Glu2145Asp)

Gene: PLEC (plectin; minus strand). Cytogenetic location: 8q24.3.
Variant type: single nucleotide variant.
Coding change: c.6435G>T on transcript NM_201384.3 (MANE Select); coding-DNA position 6435, G replaced by T.
Protein change: p.Glu2145Asp; replaces glutamic acid 2145 with aspartic acid.
Molecular consequence: missense variant.
Genome position (GRCh38, 1-based): chr8:143,923,494, C>A on the plus strand (G>T on the coding strand, the complement: PLEC is on the minus strand). VCF-style: chr8-143923494-C-A. GRCh37 (hg19) VCF-style: chr8-144997662-C-A.
Other names: c.6516G>T, p.Glu2172Asp (NM_000445.5); c.6393G>T, p.Glu2131Asp (NM_201378.4); c.6369G>T, p.Glu2123Asp (NM_201379.3); c.6846G>T, p.Glu2282Asp (NM_201380.4); c.6339G>T, p.Glu2113Asp (NM_201381.3); c.6435G>T, p.Glu2145Asp (NM_201382.4); c.6447G>T, p.Glu2149Asp (NM_201383.3); short protein forms E2131D, E2145D, E2123D, E2172D, E2282D, E2113D, E2149D.
Identifiers: ClinVar variation 1985669 (VCV001985669.4), dbSNP rs782249577, ClinGen allele CA372534430.

ClinVar aggregate classification (germline): Uncertain significance (1 of 4 stars; one submission).

Conditions:
Epidermolysis bullosa simplex 5B, with muscular dystrophy (EBS5B). Also called: EPIDERMOLYSIS BULLOSA SIMPLEX AND LIMB-GIRDLE MUSCULAR DYSTROPHY; Epidermolysis bullosa simplex with muscular dystrophy. Identifiers: Orphanet 257, MedGen C2931072, MONDO:0009181, OMIM 226670.
Epidermolysis bullosa simplex, Ogna type (EBS5A). Also called: EPIDERMOLYSIS BULLOSA SIMPLEX 5A, OGNA TYPE; Pidermolysis bullosa simplex 5A, Ogna type. Identifiers: Orphanet 79401, MedGen C0432317, MONDO:0007555, OMIM 131950.
Epidermolysis bullosa simplex 5C, with pyloric atresia (EBS5C). Also called: PLEC-Related Epidermolysis Bullosa with Pyloric Atresia; Epidermolysis bullosa simplex with pyloric atresia; PLEC1-Related Epidermolysis Bullosa with Pyloric Atresia. Identifiers: Orphanet 158684, MedGen C2677349, MONDO:0012807, OMIM 612138.
Autosomal recessive limb-girdle muscular dystrophy type 2Q (LGMDR17). Also called: MUSCULAR DYSTROPHY, LIMB-GIRDLE, AUTOSOMAL RECESSIVE 17. Identifiers: Orphanet 254361, MedGen C3150989, MONDO:0013390, OMIM 613723.
Epidermolysis bullosa simplex with nail dystrophy (EBS5D). Identifiers: MedGen C4225309, MONDO:0014661, OMIM 616487.

Allele frequency attached by ClinVar (database versions not stated): gnomAD 0.00001.

Submission:

Labcorp Genetics (formerly Invitae), Labcorp
Classification: Uncertain significance for Autosomal recessive limb-girdle muscular dystrophy type 2Q; Epidermolysis bullosa simplex, Ogna type; Epidermolysis bullosa simplex with nail dystrophy; Epidermolysis bullosa simplex 5C, with pyloric atresia; Epidermolysis bullosa simplex 5B, with muscular dystrophy. Last evaluated: 2022-10-18. Review status: criteria provided, single submitter. Criteria: Invitae Variant Classification Sherloc (09022015). Collection method: clinical testing. Allele origin: germline.
Comment: In summary, the available evidence is currently insufficient to determine the role of this variant in disease. Therefore, it has been classified as a Variant of Uncertain Significance. Algorithms developed to predict the effect of missense changes on protein structure and function are either unavailable or do not agree on the potential impact of this missense change (SIFT: "Deleterious"; PolyPhen-2: "Benign"; Align-GVGD: "Class C35"). This variant has not been reported in the literature in individuals affected with PLEC-related conditions. This variant is present in population databases (no rsID available, gnomAD 0.001%). This sequence change replaces glutamic acid, which is acidic and polar, with aspartic acid, which is acidic and polar, at codon 2172 of the PLEC protein (p.Glu2172Asp).